The following is an entry in ClinVar:

ClinVar aggregate classification (germline): Pathogenic. Review status: criteria provided, multiple submitters, no conflicts (2 of 4 stars). 2 submissions from 2 submitters: Pathogenic (2). Last evaluated 2023-08-12.

Conditions:
Telangiectasia, hereditary hemorrhagic, type 1 (HHT1). Also called: Osler Weber Rendu syndrome type 1; ENG-Related Hereditary Hemorrhagic Telangiectasia. Identifiers: Orphanet 774, MedGen C4551861, MONDO:0008535, OMIM 187300. Disease mechanism: loss of function.

Submissions (2):

Impact Genetics, Dynacare/LabCorp
Classification: Pathogenic for Telangiectasia, hereditary hemorrhagic, type 1. Last evaluated: 2023-08-12. Review status: criteria provided, single submitter. Criteria: DeMille et al. (Hum Mutat. 2024). Collection method: clinical testing. Allele origin: germline.
Comment: PVS1, PM2_supportive, PP4

NIHR Bioresource Rare Diseases, University of Cambridge
Classification: Pathogenic for Telangiectasia, hereditary hemorrhagic, type 1. Last evaluated: 2018-01-01. Review status: criteria provided, single submitter. Criteria: ACMG Guidelines, 2015. Collection method: research. Allele origin: unknown. Affected: yes. Observed: 1 variant allele.
Comment: PVS1+PM2+PP4

Literature cited by the submitters: PubMed 32573726 (cited by Impact Genetics, Dynacare/LabCorp and NIHR Bioresource Rare Diseases, University of Cambridge); PubMed 15712271 (cited by Impact Genetics, Dynacare/LabCorp).

NM_001114753.3(ENG):c.1626del (p.Thr544fs)

Genes: ENG (endoglin; minus strand), LOC102723566 (uncharacterized LOC102723566; plus strand). Cytogenetic location: 9q34.11.
Variant type: Deletion.
Coding change: c.1626del on transcript NM_001114753.3 (MANE Select); coding-DNA position 1626, one base deleted (C; older notation c.1626delC).
Protein change: p.Thr544fs; shifts the reading frame from threonine 544.
Molecular consequence: frameshift variant.
Genome position (GRCh38, 1-based): chr9:127,818,180, G deleted on the plus strand (C on the coding strand, the reverse complement: ENG is on the minus strand); the first of 3 consecutive G bases (chr9:127,818,180-127,818,182); deleting any one gives the same sequence. VCF-style (leftmost placement, unchanged base first): chr9-127818179-TG-T. GRCh37 (hg19) VCF-style: chr9-130580458-TG-T.
Other names: c.1626delC (NM_000118.3); c.1624delC, p.Thr544Profs (NM_000118.4); c.1080del, p.Thr362fs (NM_001278138.2); short protein forms T362fs, T544fs.
Identifiers: ClinVar variation 982469 (VCV000982469.4), dbSNP rs1830377451, ClinGen allele CA1139659929.
Genomic context (GRCh38, chr9:127,818,179, plus strand): 5'-CCTGGTCTTGAGACCCGGTCTTGGGACGCAGGGCTACCGTGCAGCTGAGGGTGCCGGTTT[TG>T]GGTATGGGTACTGTGTAGAAGTGGAGGAGGAAGCTGAAGCGCGGGTCACCCTCGGGGCTT-3'